The following is an entry in ClinVar:

NM_001114753.3(ENG):c.599C>T (p.Thr200Ile)

Gene: ENG (endoglin; minus strand). Cytogenetic location: 9q34.11.
Variant type: single nucleotide variant.
Coding change: c.599C>T on transcript NM_001114753.3 (MANE Select); coding-DNA position 599, C replaced by T.
Protein change: p.Thr200Ile; replaces threonine 200 with isoleucine.
Molecular consequence: missense variant.
Genome position (GRCh38, 1-based): chr9:127,825,785, G>A on the plus strand (C>T on the coding strand, the complement: ENG is on the minus strand). VCF-style: chr9-127825785-G-A. GRCh37 (hg19) VCF-style: chr9-130588064-G-A.
Other names: c.599C>T, p.Thr200Ile (NM_000118.4, NM_001406715.1); c.53C>T, p.Thr18Ile (NM_001278138.2); short protein forms T18I, T200I.
Identifiers: ClinVar variation 4870418 (VCV004870418.1).

ClinVar aggregate classification (germline): Uncertain significance (1 of 4 stars; one submission).

Conditions:
Cardiovascular phenotype. Identifiers: MedGen CN230736.

Submission:

Ambry Genetics
Classification: Uncertain significance for Cardiovascular phenotype. Last evaluated: 2026-06-02. Review status: criteria provided, single submitter. Criteria: Ambry Variant Classification Scheme 2023. Collection method: clinical testing. Allele origin: germline.
Comment: The p.T200I variant (also known as c.599C>T), located in coding exon 5 of the ENG gene, results from a C to T substitution at nucleotide position 599. The threonine at codon 200 is replaced by isoleucine, an amino acid with similar properties. This amino acid position is conserved. In addition, this alteration is predicted to be tolerated by in silico analysis. Based on the available evidence, the clinical significance of this variant remains unclear.